The following is an entry in ClinVar:

NM_001371928.1(AHDC1):c.4357C>A (p.Gln1453Lys)

Gene: AHDC1 (AT-hook DNA binding motif containing 1; minus strand). Cytogenetic location: 1p36.11.
Variant type: single nucleotide variant.
Coding change: c.4357C>A on transcript NM_001371928.1 (MANE Select); coding-DNA position 4357, C replaced by A.
Protein change: p.Gln1453Lys; replaces glutamine 1453 with lysine.
Molecular consequence: missense variant.
Genome position (GRCh38, 1-based): chr1:27,547,759, G>T on the plus strand (C>A on the coding strand, the complement: AHDC1 is on the minus strand). VCF-style: chr1-27547759-G-T. GRCh37 (hg19) VCF-style: chr1-27874270-G-T.
Other names: c.4357C>A, p.Gln1453Lys (NM_001029882.3); c.313C>A, p.His105Asn (NM_015699.1); c.4357C>A (NM_001029882.2); short protein forms H105N, Q1453K.
Identifiers: ClinVar variation 1721767 (VCV001721767.6), dbSNP rs2521800916, ClinGen allele CA339222529.

ClinVar aggregate classification (germline): Uncertain significance. Review status: criteria provided, multiple submitters, no conflicts (2 of 4 stars). 2 submissions from 2 submitters: Uncertain significance (2). Last evaluated 2024-04-19.

Submissions (2):

GeneDx
Classification: Uncertain significance. Last evaluated: 2024-04-19. Review status: criteria provided, single submitter. Criteria: GeneDx Variant Classification Process June 2021. Collection method: clinical testing. Allele origin: germline. Affected: yes.
Comment: Not observed at significant frequency in large population cohorts (gnomAD); In silico analysis indicates that this missense variant does not alter protein structure/function; Has not been previously published as pathogenic or benign to our knowledge

Labcorp Genetics (formerly Invitae), Labcorp
Classification: Uncertain significance. Last evaluated: 2024-02-23. Review status: criteria provided, single submitter. Criteria: Invitae Variant Classification Sherloc (09022015). Collection method: clinical testing. Allele origin: germline.
Comment: This sequence change replaces glutamine, which is neutral and polar, with lysine, which is basic and polar, at codon 1453 of the AHDC1 protein (p.Gln1453Lys). This variant is not present in population databases (gnomAD no frequency). This variant has not been reported in the literature in individuals affected with AHDC1-related conditions. ClinVar contains an entry for this variant (Variation ID: 1721767). An algorithm developed to predict the effect of missense changes on protein structure and function (PolyPhen-2) suggests that this variant is likely to be tolerated. In summary, the available evidence is currently insufficient to determine the role of this variant in disease. Therefore, it has been classified as a Variant of Uncertain Significance.